The following is an entry in ClinVar:

ClinVar aggregate classification (germline): Benign/Likely benign. Review status: criteria provided, multiple submitters, no conflicts (2 of 4 stars). 2 submissions from 2 submitters: Benign (1); Likely benign (1). Last evaluated 2025-08-18.

Conditions:
Idiopathic generalized epilepsy. Also called: EIG; Generalised epilepsy. Identifiers: MedGen C0270850, MONDO:0005579, OMIM 600669.
Hyperaldosteronism, familial, type IV (HALD4). Also called: FH IV; ALDOSTERONISM, PRIMARY, AND HYPERTENSION. Identifiers: Orphanet 642671, MedGen C4310756, MONDO:0014875, OMIM 617027.

Allele frequency attached by ClinVar (database versions not stated): gnomAD exomes 0.00003; gnomAD 0.00005; TOPMed 0.00005; ExAC 0.00007; ESP Exome Variant Server 0.00008.
gnomAD v4.1: 54 of 1,612,072 alleles (0.0033%); highest among the groups gnomAD compares: African/African-American, 0.011%; no homozygotes.

Submissions (2):

Labcorp Genetics (formerly Invitae), Labcorp
Classification: Benign for Idiopathic generalized epilepsy; Hyperaldosteronism, familial, type IV. Last evaluated: 2025-08-18. Review status: criteria provided, single submitter. Criteria: Invitae Variant Classification Sherloc (09022015). Collection method: clinical testing. Allele origin: germline.

CeGaT Center for Human Genetics Tuebingen
Classification: Likely benign. Last evaluated: 2022-12-01. Review status: criteria provided, single submitter. Criteria: CeGaT Center For Human Genetics Tuebingen Variant Classification Criteria Version 2. Collection method: clinical testing. Allele origin: germline. Affected: yes. Observed: 1 variant allele.
Comment: CACNA1H: BP4, BP7

NM_021098.3(CACNA1H):c.1092C>T (p.Ile364=)

Gene: CACNA1H (calcium voltage-gated channel subunit alpha1 H; plus strand). Cytogenetic location: 16p13.3.
Variant type: single nucleotide variant.
Coding change: c.1092C>T on transcript NM_021098.3 (MANE Select); coding-DNA position 1092, C replaced by T.
Protein change: p.Ile364=; no amino-acid change (isoleucine 364 retained).
Molecular consequence: synonymous variant.
Genome position (GRCh38, 1-based): chr16:1,200,544, C>T. VCF-style: chr16-1200544-C-T. GRCh37 (hg19) VCF-style: chr16-1250544-C-T.
Other names: c.1092C>T, p.Ile364= (NM_001005407.2).
Identifiers: ClinVar variation 2048098 (VCV002048098.28), dbSNP rs370787853, ClinGen allele CA7799773.
Genomic context (GRCh38, chr16:1,200,544, plus strand): 5'-CAACGTGTGCCGCTCGGGTGACTCCAACCCCCACAACGGTGCCATCAACTTCGACAACAT[C>T]GGCTACGCCTGGATTGCCATCTTCCAGGTGGGCGGCAAGATGGTGGGACGGGGACCCTGG-3'
Protein context (NP_066921.2, residues 354-374): PHNGAINFDN[Ile364=]GYAWIAIFQV